The following is an entry in ClinVar:

ClinVar aggregate classification (germline): Uncertain significance. Review status: criteria provided, multiple submitters, no conflicts (2 of 4 stars). 2 submissions from 2 submitters: Uncertain significance (2). Last evaluated 2025-07-23.

Conditions:
Inborn genetic diseases. Identifiers: MedGen C0950123, MeSH D030342.
Arginine:glycine amidinotransferase deficiency (CCDS3). Also called: AGAT deficiency; L-Arginine:Glycine Amidinotransferase Deficiency; Creatine deficiency syndrome due to AGAT deficiency; GATM deficiency; L-Arginine:Glycine Amidinotransferase (AGAT) Deficiency; Cerebral creatine deficiency syndrome 3. Identifiers: Orphanet 35704, MedGen C2675179, MONDO:0012996, OMIM 612718.

Allele frequency attached by ClinVar (database versions not stated): gnomAD exomes below 0.00001.
gnomAD v4.1: 4 of 1,614,180 alleles (0.00025%); highest among the groups gnomAD compares: South Asian, 0.0022%; no homozygotes.

Submissions (2):

Labcorp Genetics (formerly Invitae), Labcorp
Classification: Uncertain significance for Arginine:glycine amidinotransferase deficiency. Last evaluated: 2025-07-23. Review status: criteria provided, single submitter. Criteria: Invitae Variant Classification Sherloc (09022015). Collection method: clinical testing. Allele origin: germline.
Comment: This sequence change replaces threonine, which is neutral and polar, with methionine, which is neutral and non-polar, at codon 43 of the GATM protein (p.Thr43Met). This variant is present in population databases (no rsID available, gnomAD 0.003%). This variant has not been reported in the literature in individuals affected with GATM-related conditions. ClinVar contains an entry for this variant (Variation ID: 1414223). Invitae Evidence Modeling of protein sequence and biophysical properties (such as structural, functional, and spatial information, amino acid conservation, physicochemical variation, residue mobility, and thermodynamic stability) indicates that this missense variant is not expected to disrupt GATM protein function with a negative predictive value of 95%. In summary, the available evidence is currently insufficient to determine the role of this variant in disease. Therefore, it has been classified as a Variant of Uncertain Significance.

Ambry Genetics
Classification: Uncertain significance for Inborn genetic diseases. Last evaluated: 2021-04-28. Review status: criteria provided, single submitter. Criteria: Ambry Variant Classification Scheme 2023. Collection method: clinical testing. Allele origin: germline.

NM_001482.3(GATM):c.128C>T (p.Thr43Met)

Gene: GATM (glycine amidinotransferase; minus strand). Cytogenetic location: 15q21.1.
Variant type: single nucleotide variant.
Coding change: c.128C>T on transcript NM_001482.3 (MANE Select); coding-DNA position 128, C replaced by T.
Protein change: p.Thr43Met; replaces threonine 43 with methionine.
Molecular consequence: missense variant. On other transcripts: 5 prime UTR variant (1).
Genome position (GRCh38, 1-based): chr15:45,376,761, G>A on the plus strand (C>T on the coding strand, the complement: GATM is on the minus strand). VCF-style: chr15-45376761-G-A. GRCh37 (hg19) VCF-style: chr15-45668959-G-A.
Other names: c.128C>T (NM_001482.2); c.-260C>T (NM_001321015.2); short protein forms T43M.
Identifiers: ClinVar variation 1414223 (VCV001414223.5), dbSNP rs868522260, ClinGen allele CA270173225.